The following is an entry in ClinVar:

NM_001625.4(AK2):c.331-3C>T

Gene: AK2 (adenylate kinase 2; minus strand). Cytogenetic location: 1p35.1.
Variant type: single nucleotide variant.
Coding change: c.331-3C>T on transcript NM_001625.4 (MANE Select); 3 bases into the intron before coding-DNA position 331, C replaced by T.
Molecular consequence: intron variant.
Genome position (GRCh38, 1-based): chr1:33,021,464, G>A on the plus strand (C>T on the coding strand, the complement: AK2 is on the minus strand). VCF-style: chr1-33021464-G-A. GRCh37 (hg19) VCF-style: chr1-33487065-G-A.
Other names: c.331-3C>T (NM_013411.5, NM_001199199.3, NM_001319141.3); c.205-3C>T (NM_001319142.3); c.330+129C>T (NM_001319143.2); c.187-3C>T (NM_001319139.3, NM_001319140.2).
Identifiers: ClinVar variation 1055414 (VCV001055414.7), dbSNP rs759338139, ClinGen allele CA747178.

ClinVar aggregate classification (germline): Uncertain significance (1 of 4 stars; one submission).

Conditions:
Reticular dysgenesis. Also called: RETICULAR DYSGENESIA; SEVERE COMBINED IMMUNODEFICIENCY WITH LEUKOPENIA; DeVaal disease; ALEUKOCYTOSIS; CONGENITAL ALEUKIA; HEMATOPOIETIC HYPOPLASIA, GENERALIZED. Identifiers: Orphanet 33355, MedGen C0272167, MONDO:0009973, OMIM 267500.

Allele frequency attached by ClinVar (database versions not stated): ExAC 0.00001; gnomAD exomes 0.00001.
gnomAD v4.1: 7 of 1,613,962 alleles (0.00043%); highest among the groups gnomAD compares: Admixed American, 0.0067%; no homozygotes.

Submission:

Labcorp Genetics (formerly Invitae), Labcorp
Classification: Uncertain significance for Reticular dysgenesis. Last evaluated: 2025-10-12. Review status: criteria provided, single submitter. Criteria: Invitae Variant Classification Sherloc (09022015). Collection method: clinical testing. Allele origin: germline.
Comment: This sequence change falls in intron 3 of the AK2 gene. It does not directly change the encoded amino acid sequence of the AK2 protein. It affects a nucleotide within the consensus splice site. This variant is present in population databases (rs759338139, gnomAD 0.01%). This variant has not been reported in the literature in individuals affected with AK2-related conditions. ClinVar contains an entry for this variant (Variation ID: 1055414). Variants that disrupt the consensus splice site are a relatively common cause of aberrant splicing (PMID: 17576681, 9536098). Algorithms developed to predict the effect of sequence changes on RNA splicing suggest that this variant is not likely to affect RNA splicing. In summary, the available evidence is currently insufficient to determine the role of this variant in disease. Therefore, it has been classified as a Variant of Uncertain Significance.

Literature cited by the submitters: PubMed 17576681; PubMed 9536098.